The following is an entry in ClinVar:

NM_173598.6(KSR2):c.2451-3C>T

Gene: KSR2 (kinase suppressor of ras 2; minus strand). Cytogenetic location: 12q24.22.
Variant type: single nucleotide variant.
Coding change: c.2451-3C>T on transcript NM_173598.6 (MANE Select); 3 bases into the intron before coding-DNA position 2451, C replaced by T.
Genome position (GRCh38, 1-based): chr12:117,476,598, G>A on the plus strand (C>T on the coding strand, the complement: KSR2 is on the minus strand). VCF-style: chr12-117476598-G-A. GRCh37 (hg19) VCF-style: chr12-117914403-G-A.
Identifiers: ClinVar variation 770234 (VCV000770234.12), dbSNP rs377042173, ClinGen allele CA6815709.

ClinVar aggregate classification (germline): Benign/Likely benign. Review status: criteria provided, multiple submitters, no conflicts (2 of 4 stars). 3 submissions from 3 submitters: Benign (1); Likely benign (1). 1 of the submissions does not count toward it. Last evaluated 2026-01-07.

Conditions:
KSR2-related disorder. Also called: KSR2-related condition.

Allele frequency attached by ClinVar (database versions not stated): ESP Exome Variant Server 0.00008; gnomAD exomes 0.00051 and 0.00234; gnomAD 0.00183 and 0.00188; ExAC 0.00189; 1000 Genomes Project 0.00220; TOPMed 0.00231; 1000 Genomes Project 30x 0.00234.
gnomAD v4.1: 1,030 of 1,608,948 alleles (0.064%); highest among the groups gnomAD compares: Admixed American, 1.6%; 7 homozygotes.

Submissions (3):

Labcorp Genetics (formerly Invitae), Labcorp
Classification: Benign. Last evaluated: 2026-01-07. Review status: criteria provided, single submitter. Criteria: Invitae Variant Classification Sherloc (09022015). Collection method: clinical testing. Allele origin: germline.

Blueprint Genetics
Classification: Likely benign. Last evaluated: 2024-11-26. Review status: criteria provided, single submitter. Criteria: ACMG Guidelines, 2015. Collection method: clinical testing. Allele origin: germline.

PreventionGenetics, part of Exact Sciences
Classification: Benign for KSR2-related condition. Last evaluated: 2019-08-06. Review status: no assertion criteria provided. Collection method: clinical testing. Allele origin: germline. Not counted in ClinVar's aggregate classification.
Comment: This variant is classified as benign based on ACMG/AMP sequence variant interpretation guidelines (Richards et al. 2015 PMID: 25741868, with internal and published modifications).